The following is an entry in ClinVar:

NM_022124.6(CDH23):c.8900G>A (p.Arg2967His)

Gene: CDH23 (cadherin related 23; plus strand). Cytogenetic location: 10q22.1.
Variant type: single nucleotide variant.
Coding change: c.8900G>A on transcript NM_022124.6 (MANE Select); coding-DNA position 8900, G replaced by A.
Protein change: p.Arg2967His; replaces arginine 2967 with histidine.
Molecular consequence: missense variant.
Genome position (GRCh38, 1-based): chr10:71,809,997, G>A. VCF-style: chr10-71809997-G-A. GRCh37 (hg19) VCF-style: chr10-73569754-G-A.
Other names: c.2180G>A, p.Arg727His (NM_001171933.1, NM_001171934.1); short protein forms R727H, R2967H.
Identifiers: ClinVar variation 877390 (VCV000877390.6), dbSNP rs373600041, ClinGen allele CA209439416.

ClinVar aggregate classification (germline): Uncertain significance. Review status: criteria provided, multiple submitters, no conflicts (2 of 4 stars). 3 submissions from 2 submitters: Uncertain significance (3). Last evaluated 2025-06-18.

Conditions:
Autosomal recessive nonsyndromic hearing loss 12. Also called: DEAFNESS, AUTOSOMAL RECESSIVE 12. Identifiers: Orphanet 90636, MedGen C1832394, MONDO:0011067, OMIM 601386.
Usher syndrome type 1D (USH1D). Also called: USHER SYNDROME, TYPE ID. Identifiers: Orphanet 231169, Orphanet 886, MedGen C1832845, MONDO:0010984, OMIM 601067.

Allele frequency attached by ClinVar (database versions not stated): gnomAD 0.00001 and 0.00002; ESP Exome Variant Server 0.00008.
gnomAD v4.1: 26 of 1,612,264 alleles (0.0016%); highest among the groups gnomAD compares: Admixed American, 0.005%; no homozygotes.

Submissions (3):

Labcorp Genetics (formerly Invitae), Labcorp
Classification: Uncertain significance. Last evaluated: 2025-06-18. Review status: criteria provided, single submitter. Criteria: Invitae Variant Classification Sherloc (09022015). Collection method: clinical testing. Allele origin: germline.
Comment: This sequence change replaces arginine, which is basic and polar, with histidine, which is basic and polar, at codon 2967 of the CDH23 protein (p.Arg2967His). This variant is present in population databases (rs373600041, gnomAD 0.006%). This variant has not been reported in the literature in individuals affected with CDH23-related conditions. ClinVar contains an entry for this variant (Variation ID: 877390). Invitae Evidence Modeling of protein sequence and biophysical properties (such as structural, functional, and spatial information, amino acid conservation, physicochemical variation, residue mobility, and thermodynamic stability) has been performed for this missense variant. However, the output from this modeling did not meet the statistical confidence thresholds required to predict the impact of this variant on CDH23 protein function. In summary, the available evidence is currently insufficient to determine the role of this variant in disease. Therefore, it has been classified as a Variant of Uncertain Significance.

Illumina Laboratory Services, Illumina
Classification: Uncertain significance for Usher syndrome type 1D. Last evaluated: 2018-01-12. Review status: criteria provided, single submitter. Criteria: ICSL Variant Classification Criteria 13 December 2019. Collection method: clinical testing. Allele origin: germline.

Illumina Laboratory Services, Illumina
Classification: Uncertain significance for Autosomal recessive nonsyndromic hearing loss 12. Last evaluated: 2018-01-12. Review status: criteria provided, single submitter. Criteria: ICSL Variant Classification Criteria 13 December 2019. Collection method: clinical testing. Allele origin: germline.